The following is an entry in ClinVar:

ClinVar aggregate classification (germline): Likely pathogenic. Review status: criteria provided, multiple submitters, no conflicts (2 of 4 stars). 8 submissions from 8 submitters: Likely pathogenic (8). Last evaluated 2025-12-12.

Conditions:
Hereditary cancer-predisposing syndrome. Also called: Tumor predisposition; Hereditary neoplastic syndrome; Neoplastic Syndromes, Hereditary; Hereditary Cancer Syndrome. Identifiers: Orphanet 140162, MedGen C0027672, MeSH D009386, MONDO:0015356.
Fanconi anemia complementation group C (FANCC). Also called: Fanconi anemia, group C; FANCONI PANCYTOPENIA, TYPE 3; FACC; FANCC-Related Fanconi Anemia. Identifiers: Orphanet 84, MedGen C3468041, MONDO:0009213, OMIM 227645.
Fanconi anemia (FA). Also called: Fanconi's anemia. Identifiers: Orphanet 84, MedGen C0015625, MeSH D005199, MONDO:0019391.

Allele frequency attached by ClinVar (database versions not stated): gnomAD 0.00001 and 0.00002; gnomAD exomes 0.00001; TOPMed 0.00002.
gnomAD v4.1: 12 of 1,613,902 alleles (0.00074%); highest among the groups gnomAD compares: Non-Finnish European, 0.00093%; no homozygotes.

Submissions (8):

Otogenetics
Classification: Likely pathogenic for Fanconi anemia complementation group C. Last evaluated: 2025-12-12. Review status: criteria provided, single submitter. Criteria: ACMG Guidelines, 2015. Collection method: clinical testing. Allele origin: germline.
Comment: PVS1_Strong: Null variant occurring in a canonical splice site (acceptor site) in gene with loss of function as mechanism of disease, not predicted to disrupt the reading frame, but truncated/altered region critical to protein function; PM2: Variant not observed in gnomAD (<0.05% threshold); PP3: In-silico models predict deleterious effect (MutationTaster = 1, SpliceAI = 0.97)

Women's Health and Genetics/Laboratory Corporation of America, LabCorp
Classification: Likely pathogenic for Fanconi anemia complementation group C. Last evaluated: 2025-09-09. Review status: criteria provided, single submitter. Criteria: LabCorp Variant Classification Summary - May 2015. Collection method: clinical testing. Allele origin: germline.
Comment: Variant summary: FANCC c.522-1G>C is located in a canonical splice-site and is predicted to affect mRNA splicing resulting in a significantly altered protein due to either exon skipping, shortening, or inclusion of intronic material. Variants that disrupt the consensus splice site are a relatively common cause of aberrant splicing and loss of FANCC function. Several computational tools predict a significant impact on normal splicing: Four predict the variant abolishes a 3' acceptor site. However, these predictions have yet to be confirmed by functional studies. The variant was absent in 251190 control chromosomes. c.522-1G>C has been observed in individuals affected with ovarian cancer or leukemia (e.g. Carter_2018, Kim_2021). These reports do not provide unequivocal conclusions about association of the variant with Fanconi Anemia Group C. To our knowledge, no experimental evidence demonstrating an impact on protein function has been reported. The following publications have been ascertained in the context of this evaluation (PMID: 30322717, 34308104). ClinVar contains an entry for this variant (Variation ID: 825565). Based on the evidence outlined above, the variant was classified as likely pathogenic.

Labcorp Genetics (formerly Invitae), Labcorp
Classification: Likely pathogenic for Fanconi anemia. Last evaluated: 2025-08-24. Review status: criteria provided, single submitter. Criteria: Invitae Variant Classification Sherloc (09022015). Collection method: clinical testing. Allele origin: germline.
Comment: This sequence change affects an acceptor splice site in intron 6 of the FANCC gene. It is expected to disrupt RNA splicing. Variants that disrupt the donor or acceptor splice site typically lead to a loss of protein function (PMID: 16199547), and loss-of-function variants in FANCC are known to be pathogenic (PMID: 17924555). This variant is not present in population databases (gnomAD no frequency). Disruption of this splice site has been observed in individual(s) with ovarian cancer or leukemia (PMID: 30322717, 34308104). ClinVar contains an entry for this variant (Variation ID: 825565). Algorithms developed to predict the effect of sequence changes on RNA splicing suggest that this variant may disrupt the consensus splice site. In summary, the currently available evidence indicates that the variant is pathogenic, but additional data are needed to prove that conclusively. Therefore, this variant has been classified as Likely Pathogenic.

Natera, Inc.
Classification: Likely pathogenic for Fanconi anemia. Last evaluated: 2025-07-28. Review status: criteria provided, single submitter. Criteria: Natera Variant Classification Schema (03/2026). Collection method: clinical testing. Allele origin: germline.
Comment: The c.522-1G>C variant in FANCC is a canonical splice acceptor site variant predicted to affect pre-mRNA splicing, which may result in an abnormal transcript and altered protein product. This variant is expected to result in nonsense mediated decay, truncation, or a dysfunctional protein product. This variant is rare in the general population with a frequency below the threshold expected for the associated phenotype(s). Given the available evidence, this variant is classified as Likely Pathogenic.

Ambry Genetics
Classification: Likely pathogenic for Hereditary cancer-predisposing syndrome. Last evaluated: 2024-12-06. Review status: criteria provided, single submitter. Criteria: Ambry Variant Classification Scheme 2023. Collection method: clinical testing. Allele origin: germline.
Comment: The c.522-1G>C intronic variant results from a G to C substitution one nucleotide before coding exon 6 of the FANCC gene. Alterations that disrupt the canonical splice site are expected to result in aberrant splicing. In silico splice site analysis predicts that this alteration will weaken the native splice acceptor site. The resulting transcript is predicted to be in-frame and is not expected to trigger nonsense-mediated mRNAdecay; however, direct evidence is unavailable. The exact functional effect of the altered amino acid sequence is unknown; however, a significant portion of the protein is affected (Ambry internal data). This variant was identified in a cohort of 4439 women with ovarian cancer undergoing multigene panel testing at one laboratory (Carter NJ et al. Gynecol Oncol, 2018 12;151:481-488). This variant is considered to be rare based on population cohorts in the Genome Aggregation Database (gnomAD). This nucleotide position is highly conserved in available vertebrate species. Based on the majority of available evidence to date, this variant is likely to be pathogenic.

Fulgent Genetics
Classification: Likely pathogenic for Fanconi anemia complementation group C. Last evaluated: 2024-02-14. Review status: criteria provided, single submitter. Criteria: ACMG Guidelines, 2015. Collection method: clinical testing. Allele origin: germline.

Baylor Genetics
Classification: Likely pathogenic for Fanconi anemia complementation group C. Last evaluated: 2024-02-05. Review status: criteria provided, single submitter. Criteria: ACMG Guidelines, 2015. Collection method: clinical testing. Allele origin: unknown.

CeGaT Center for Human Genetics Tuebingen
Classification: Likely pathogenic. Last evaluated: 2023-08-01. Review status: criteria provided, single submitter. Criteria: CeGaT Center For Human Genetics Tuebingen Variant Classification Criteria Version 2. Collection method: clinical testing. Allele origin: germline. Affected: yes. Observed: 2 variant alleles.
Comment: FANCC: PVS1:Strong, PM2

Literature cited by the submitters: PubMed 30322717 (cited by 3 submitters); PubMed 34308104 (cited by Women's Health and Genetics/Laboratory Corporation of America, LabCorp and Labcorp Genetics (formerly Invitae), Labcorp); PubMed 16199547 (cited by Labcorp Genetics (formerly Invitae), Labcorp); PubMed 17924555 (cited by Labcorp Genetics (formerly Invitae), Labcorp).

NM_000136.3(FANCC):c.522-1G>C

Genes: AOPEP (aminopeptidase O (putative); plus strand), FANCC (FA complementation group C; minus strand). Cytogenetic location: 9q22.32.
Variant type: single nucleotide variant.
Coding change: c.522-1G>C on transcript NM_000136.3 (MANE Select); the canonical splice acceptor site of the intron before coding-DNA position 522, G replaced by C.
Molecular consequence: splice acceptor variant.
Genome position (GRCh38, 1-based): chr9:95,150,088, C>G on the plus strand (G>C on the coding strand, the complement: FANCC is on the minus strand). VCF-style: chr9-95150088-C-G. GRCh37 (hg19) VCF-style: chr9-97912370-C-G.
Other names: c.522-1G>C (NM_001243743.2, NM_001243744.2).
Identifiers: ClinVar variation 825565 (VCV000825565.52), dbSNP rs1014112491, ClinGen allele CA196573287.